The following is an entry in ClinVar:

NM_015141.4(GPD1L):c.48-128G>A

Gene: GPD1L (glycerol-3-phosphate dehydrogenase 1 like; plus strand). Cytogenetic location: 3p22.3.
Variant type: single nucleotide variant.
Coding change: c.48-128G>A on transcript NM_015141.4 (MANE Select); 128 bases into the intron before coding-DNA position 48, G replaced by A.
Molecular consequence: intron variant.
Genome position (GRCh38, 1-based): chr3:32,127,948, G>A. VCF-style: chr3-32127948-G-A. GRCh37 (hg19) VCF-style: chr3-32169440-G-A.
Identifiers: ClinVar variation 674190 (VCV000674190.2), dbSNP rs3749277, ClinGen allele CA11567398.

ClinVar aggregate classification (germline): Benign. Review status: criteria provided, multiple submitters, no conflicts (2 of 4 stars). 2 submissions from 2 submitters: Benign (2). Last evaluated 2018-06-14.

Allele frequency attached by ClinVar (database versions not stated): gnomAD 0.05021 and 0.05025; TOPMed 0.05445; 1000 Genomes Project 0.08886; 1000 Genomes Project 30x 0.09072.
gnomAD v4.1: 19,124 of 735,392 alleles (2.6%); highest among the groups gnomAD compares: African/African-American, 14%; 1,064 homozygotes.

Submissions (2):

GeneDx
Classification: Benign. Last evaluated: 2018-06-14. Review status: criteria provided, single submitter. Criteria: GeneDx Variant Classification (06012015). Collection method: clinical testing. Allele origin: germline. Affected: yes.
Comment: This variant is considered likely benign or benign based on one or more of the following criteria: it is a conservative change, it occurs at a poorly conserved position in the protein, it is predicted to be benign by multiple in silico algorithms, and/or has population frequency not consistent with disease.

Breakthrough Genomics
Classification: Benign. Review status: criteria provided, single submitter. Criteria: ACMG Guidelines, 2015. Collection method: not provided. Allele origin: germline. Inheritance: Unknown mechanism. Affected: yes.